The following is an entry in ClinVar:

NM_001129.5(AEBP1):c.2164G>C (p.Val722Leu)

Gene: AEBP1 (AE binding protein 1; plus strand). Cytogenetic location: 7p13.
Variant type: single nucleotide variant.
Coding change: c.2164G>C on transcript NM_001129.5 (MANE Select); coding-DNA position 2164, G replaced by C.
Protein change: p.Val722Leu; replaces valine 722 with leucine.
Molecular consequence: missense variant.
Genome position (GRCh38, 1-based): chr7:44,112,268, G>C. VCF-style: chr7-44112268-G-C. GRCh37 (hg19) VCF-style: chr7-44151867-G-C.
Other names: short protein forms V722L.
Identifiers: ClinVar variation 3372990 (VCV003372990.1).

ClinVar aggregate classification (germline): Uncertain significance (1 of 4 stars; one submission).

Submission:

GeneDx
Classification: Uncertain significance. Last evaluated: 2024-04-23. Review status: criteria provided, single submitter. Criteria: GeneDx Variant Classification Process June 2021. Collection method: clinical testing. Allele origin: germline. Affected: yes.
Comment: Not observed at significant frequency in large population cohorts (gnomAD); In silico analysis indicates that this missense variant does not alter protein structure/function; Has not been previously published as pathogenic or benign to our knowledge